The following is an entry in ClinVar:

NM_001378615.1(CC2D2A):c.4553G>A (p.Arg1518Gln)

Genes: CC2D2A (coiled-coil and C2 domain containing 2A; plus strand), FBXL5 (F-box and leucine rich repeat protein 5; minus strand). Cytogenetic location: 4p15.32.
Variant type: single nucleotide variant.
Coding change: c.4553G>A on transcript NM_001378615.1 (MANE Select); coding-DNA position 4553, G replaced by A.
Protein change: p.Arg1518Gln; replaces arginine 1518 with glutamine.
Molecular consequence: missense variant.
Genome position (GRCh38, 1-based): chr4:15,599,585, G>A. VCF-style: chr4-15599585-G-A. GRCh37 (hg19) VCF-style: chr4-15601208-G-A.
Other names: c.4553G>A, p.Arg1518Gln (NM_001080522.2); c.4406G>A, p.Arg1469Gln (NM_001378617.1); short protein forms R1518Q, R1469Q.
Identifiers: ClinVar variation 593667 (VCV000593667.23), dbSNP rs200645738, ClinGen allele CA2864415.
Genomic context (GRCh38, chr4:15,599,585, plus strand): 5'-ACAGGATTGAAAAAATACTAAAAGAAAAAATCATGGACTGGAGGCCACGCCATCTGACTC[G>A]GTGGAATAGGTATTGTACCTCTACTCTGCGTCACTTCTTGCCTCTGTTAGAAAAAAGTCA-3'
Protein context (NP_001365544.1, residues 1508-1528): IMDWRPRHLT[Arg1518Gln]WNRYCTSTLR

ClinVar aggregate classification (germline): Conflicting classifications of pathogenicity. Review status: criteria provided, conflicting classifications (1 of 4 stars). 10 submissions from 10 submitters: Likely pathogenic (1); Uncertain significance (7). 2 of the submissions do not count toward it. Last evaluated 2026-09-09.

Conditions:
Meckel-Gruber syndrome. Also called: Dysencephalia splachnocystica; DYSENCEPHALIA SPLANCHNOCYSTICA; GRUBER SYNDROME. Identifiers: Orphanet 564, MedGen C0265215, MONDO:0018921.
Joubert syndrome. Also called: Familial aplasia of the vermis; JOUBERT-BOLTSHAUSER SYNDROME. Identifiers: Orphanet 475, MedGen C5979921, MONDO:0018772.
Joubert syndrome 9 (JBTS9). Identifiers: Orphanet 2318, MedGen C2676788, MONDO:0012849, OMIM 612285.
Meckel syndrome, type 6. Identifiers: Orphanet 564, MedGen C2676790, MONDO:0012848, OMIM 612284.
Retinitis pigmentosa 93. Identifiers: MedGen C5676970, MONDO:0030797, OMIM 619845.
COACH syndrome 2. Identifiers: MedGen C5436837, MONDO:0030859, OMIM 619111.
CC2D2A-related disorder. Also called: CC2D2A-related disorders; CC2D2A-related condition. Identifiers: MedGen CN239313.

Allele frequency attached by ClinVar (database versions not stated): TOPMed 0.00003; gnomAD 0.00005 and 0.00007; 1000 Genomes Project 30x 0.00016; ExAC 0.00019; 1000 Genomes Project 0.00020.
gnomAD v4.1: 189 of 1,608,398 alleles (0.012%); highest among the groups gnomAD compares: South Asian, 0.075%; 1 homozygote.

Submissions (10):

PreventionGenetics, part of Exact Sciences
Classification: Uncertain significance for CC2D2A-related condition. Last evaluated: 2026-09-09. Review status: criteria provided, single submitter. Criteria: ACMG Guidelines, 2015. Collection method: clinical testing. Allele origin: germline.
Comment: The CC2D2A c.4553G>A variant is predicted to result in the amino acid substitution p.Arg1518Gln. This variant has been reported in an individual with Joubert syndrome (Supplementary Table 2, Kroes et al. 2015. PubMed ID: 25920555). Another variant affecting the same amino acid has been reported in multiple individuals with Joubert syndrome (4552C>T (Arg1518Trp); İncecik et al. 2012. PubMed ID: 23692786). This variant is reported in 0.080% of alleles in individuals of South Asian descent in gnomAD. At this time, the clinical significance of this variant is uncertain due to the absence of conclusive functional and genetic evidence.

Labcorp Genetics (formerly Invitae), Labcorp
Classification: Likely pathogenic for Joubert syndrome; Meckel-Gruber syndrome. Last evaluated: 2025-12-19. Review status: criteria provided, single submitter. Criteria: Invitae Variant Classification Sherloc (09022015). Collection method: clinical testing. Allele origin: germline.
Comment: This sequence change replaces arginine, which is basic and polar, with glutamine, which is neutral and polar, at codon 1518 of the CC2D2A protein (p.Arg1518Gln). This variant is present in population databases (rs200645738, gnomAD 0.09%). This missense change has been observed in individual(s) with Joubert syndrome (PMID: 25920555). ClinVar contains an entry for this variant (Variation ID: 593667). Invitae Evidence Modeling of protein sequence and biophysical properties (such as structural, functional, and spatial information, amino acid conservation, physicochemical variation, residue mobility, and thermodynamic stability) has been performed for this missense variant. However, the output from this modeling did not meet the statistical confidence thresholds required to predict the impact of this variant on CC2D2A protein function. This variant disrupts the p.Arg1518 amino acid residue in CC2D2A. Other variant(s) that disrupt this residue have been determined to be pathogenic (PMID: 23692786). This suggests that this residue is clinically significant, and that variants that disrupt this residue are likely to be disease-causing. In summary, the currently available evidence indicates that the variant is pathogenic, but additional data are needed to prove that conclusively. Therefore, this variant has been classified as Likely Pathogenic.

3billion
Classification: Uncertain significance for Joubert syndrome 9. Last evaluated: 2025-07-21. Review status: criteria provided, single submitter. Criteria: ACMG Guidelines, 2015. Collection method: clinical testing. Allele origin: germline. Affected: yes.
Comment: The variant is observed at an extremely low frequency in the gnomAD v4.1.0 dataset (total allele frequency: 0.012%). Predicted Consequence/Location: Missense variant. The majority of the known disease-causing variants of this gene are variants expected to result in premature termination of the protein. In silico tool predictions suggest damaging effect of the variant on gene or gene product [REVEL: 0.40 (>=0.6, sensitivity 0.68 and specificity 0.92); 3Cnet: 0.86 (> 0.75, sensitivity 0.96 and precision 0.92)]. The same nucleotide change resulting in the same amino acid change has been previously reported to be associated with CC2D2A-related disorder (ClinVar ID: VCV000593667). A different missense change at the same codon (p.Arg1518Trp) has been reported to be associated with CC2D2A-related disorder (ClinVar ID: VCV000579685 /PMID: 23692786). However the evidence of pathogenicity is insufficient at this time. Therefore, this variant is classified as VUS according to the recommendation of ACMG/AMP guideline.

Women's Health and Genetics/Laboratory Corporation of America, LabCorp
Classification: Uncertain significance. Last evaluated: 2025-05-21. Review status: criteria provided, single submitter. Criteria: LabCorp Variant Classification Summary - May 2015. Collection method: clinical testing. Allele origin: germline.
Comment: Variant summary: CC2D2A c.4553G>A (p.Arg1518Gln) results in a conservative amino acid change in the encoded protein sequence. Algorithms developed to predict the effect of missense changes on protein structure and function are either unavailable or do not agree on the potential impact of this missense change. The variant allele was found at a frequency of 0.00015 in 246498 control chromosomes. This frequency is not significantly higher than estimated for a pathogenic variant in CC2D2A causing Meckel Syndrome Type 6 (0.00015 vs 0.0011), allowing no conclusion about variant significance. c.4553G>A has been reported in the literature in at least one heterozygous individual affected with Joubert syndrome with no reported second variant in CC2D2A (e.g. Kroes_2016). This report does not provide unequivocal conclusions about association of the variant with Meckel Syndrome Type 6. To our knowledge, no experimental evidence demonstrating an impact on protein function has been reported. The following publication have been ascertained in the context of this evaluation (PMID: 25920555). ClinVar contains an entry for this variant (Variation ID: 593667). Based on the evidence outlined above, the variant was classified as uncertain significance.

Blueprint Genetics
Classification: Uncertain significance. Last evaluated: 2024-10-18. Review status: criteria provided, single submitter. Criteria: ACMG Guidelines, 2015. Collection method: clinical testing. Allele origin: germline.

Fulgent Genetics
Classification: Uncertain significance for Meckel syndrome, type 6; Joubert syndrome 9; COACH syndrome 2; Retinitis pigmentosa 93. Last evaluated: 2024-06-09. Review status: criteria provided, single submitter. Criteria: ACMG Guidelines, 2015. Collection method: clinical testing. Allele origin: germline.

GeneDx
Classification: Uncertain significance. Last evaluated: 2020-08-06. Review status: criteria provided, single submitter. Criteria: GeneDx Variant Classification Process June 2021. Collection method: clinical testing. Allele origin: germline. Affected: yes.
Comment: In silico analysis supports that this missense variant does not alter protein structure/function; Has not been previously published as pathogenic or benign to our knowledge

Eurofins Ntd Llc (ga)
Classification: Uncertain significance. Last evaluated: 2017-08-15. Review status: criteria provided, single submitter. Criteria: EGL Classification Definitions 2015. Collection method: clinical testing. Allele origin: germline. Observed: 1 variant allele, 1 heterozygote.

Clinical Genetics DNA and cytogenetics Diagnostics Lab, Erasmus MC, Erasmus Medical Center
Classification: Uncertain significance. Review status: no assertion criteria provided. Collection method: clinical testing. Allele origin: germline. Affected: yes. Study: VKGL Data-share Consensus. Not counted in ClinVar's aggregate classification.

Genome Diagnostics Laboratory, University Medical Center Utrecht
Classification: Uncertain significance. Review status: no assertion criteria provided. Collection method: clinical testing. Allele origin: germline. Affected: yes. Study: VKGL Data-share Consensus. Not counted in ClinVar's aggregate classification.

Literature cited by the submitters: PubMed 25920555 (cited by Labcorp Genetics (formerly Invitae), Labcorp and Women's Health and Genetics/Laboratory Corporation of America, LabCorp); PubMed 23692786 (cited by Labcorp Genetics (formerly Invitae), Labcorp and 3billion).